The following is an entry in ClinVar:

NM_004369.4(COL6A3):c.3067C>T (p.Pro1023Ser)

Gene: COL6A3 (collagen type VI alpha 3 chain; minus strand). Cytogenetic location: 2q37.3.
Variant type: single nucleotide variant.
Coding change: c.3067C>T on transcript NM_004369.4 (MANE Select); coding-DNA position 3067, C replaced by T.
Protein change: p.Pro1023Ser; replaces proline 1023 with serine.
Molecular consequence: missense variant.
Genome position (GRCh38, 1-based): chr2:237,376,775, G>A on the plus strand (C>T on the coding strand, the complement: COL6A3 is on the minus strand). VCF-style: chr2-237376775-G-A. GRCh37 (hg19) VCF-style: chr2-238285418-G-A.
Other names: c.1846C>T, p.Pro616Ser (NM_057164.5); c.2449C>T, p.Pro817Ser (NM_057165.5, NM_057167.4); c.1246C>T, p.Pro416Ser (NM_057166.5); short protein forms P1023S, P616S, P416S, P817S.
Identifiers: ClinVar variation 500478 (VCV000500478.9), dbSNP rs556864605, ClinGen allele CA2189264.

ClinVar aggregate classification (germline): Conflicting classifications of pathogenicity. Review status: criteria provided, conflicting classifications (1 of 4 stars). 3 submissions from 3 submitters: Uncertain significance (2); Likely benign (1). Last evaluated 2025-07-19.

Conditions:
Bethlem myopathy 1A. Also called: Bethlem myopathy 1; Bethlem Muscular Dystrophy; MYOPATHY, BENIGN CONGENITAL, WITH CONTRACTURES. Identifiers: Orphanet 610, MedGen CN029274, MONDO:0024530, OMIM 158810.

Allele frequency attached by ClinVar (database versions not stated): gnomAD exomes below 0.00001 and 0.00001; gnomAD 0.00001 and 0.00002; ExAC 0.00002; 1000 Genomes Project 30x 0.00031; 1000 Genomes Project 0.00040.
gnomAD v4.1: 6 of 1,614,122 alleles (0.00037%); highest among the groups gnomAD compares: East Asian, 0.011%; no homozygotes.

Submissions (3):

Labcorp Genetics (formerly Invitae), Labcorp
Classification: Uncertain significance for Bethlem myopathy 1A. Last evaluated: 2025-07-19. Review status: criteria provided, single submitter. Criteria: Invitae Variant Classification Sherloc (09022015). Collection method: clinical testing. Allele origin: germline.
Comment: This sequence change replaces proline, which is neutral and non-polar, with serine, which is neutral and polar, at codon 1023 of the COL6A3 protein (p.Pro1023Ser). This variant is present in population databases (rs556864605, gnomAD 0.02%). This variant has not been reported in the literature in individuals affected with COL6A3-related conditions. ClinVar contains an entry for this variant (Variation ID: 500478). Invitae Evidence Modeling of protein sequence and biophysical properties (such as structural, functional, and spatial information, amino acid conservation, physicochemical variation, residue mobility, and thermodynamic stability) indicates that this missense variant is not expected to disrupt COL6A3 protein function with a negative predictive value of 80%. In summary, the available evidence is currently insufficient to determine the role of this variant in disease. Therefore, it has been classified as a Variant of Uncertain Significance.

Blueprint Genetics
Classification: Likely benign. Last evaluated: 2023-05-04. Review status: criteria provided, single submitter. Criteria: ACMG Guidelines, 2015. Collection method: clinical testing. Allele origin: germline.

Eurofins Ntd Llc (ga)
Classification: Uncertain significance. Last evaluated: 2017-02-23. Review status: criteria provided, single submitter. Criteria: EGL Classification Definitions 2015. Collection method: clinical testing. Allele origin: germline. Observed: 1 variant allele, 1 heterozygote.